The following is an entry in ClinVar:

ClinVar aggregate classification (germline): Uncertain significance. Review status: criteria provided, multiple submitters, no conflicts (2 of 4 stars). 2 submissions from 2 submitters: Uncertain significance (2). Last evaluated 2025-01-17.

Conditions:
Inborn genetic diseases. Identifiers: MedGen C0950123, MeSH D030342.
Developmental and epileptic encephalopathy. Identifiers: MedGen C5779964, MONDO:0100620.

Allele frequency attached by ClinVar (database versions not stated): gnomAD 0.00001; ExAC 0.00002; gnomAD exomes 0.00002; TOPMed 0.00005.

Submissions (2):

Ambry Genetics
Classification: Uncertain significance for Inborn genetic diseases. Last evaluated: 2025-01-17. Review status: criteria provided, single submitter. Criteria: Ambry Variant Classification Scheme 2023. Collection method: clinical testing. Allele origin: germline.

Labcorp Genetics (formerly Invitae), Labcorp
Classification: Uncertain significance for Early-infantile DEE. Last evaluated: 2022-10-24. Review status: criteria provided, single submitter. Criteria: Invitae Variant Classification Sherloc (09022015). Collection method: clinical testing. Allele origin: germline.
Comment: This sequence change replaces arginine, which is basic and polar, with cysteine, which is neutral and slightly polar, at codon 58 of the SLC25A22 protein (p.Arg58Cys). This variant is present in population databases (rs202242484, gnomAD 0.01%). This variant has not been reported in the literature in individuals affected with SLC25A22-related conditions. ClinVar contains an entry for this variant (Variation ID: 954554). Advanced modeling of protein sequence and biophysical properties (such as structural, functional, and spatial information, amino acid conservation, physicochemical variation, residue mobility, and thermodynamic stability) performed at Invitae indicates that this missense variant is expected to disrupt SLC25A22 protein function. In summary, the available evidence is currently insufficient to determine the role of this variant in disease. Therefore, it has been classified as a Variant of Uncertain Significance.

NM_001191061.2(SLC25A22):c.172C>T (p.Arg58Cys)

Gene: SLC25A22 (solute carrier family 25 member 22; minus strand). Cytogenetic location: 11p15.5.
Variant type: single nucleotide variant.
Coding change: c.172C>T on transcript NM_001191061.2 (MANE Select); coding-DNA position 172, C replaced by T.
Protein change: p.Arg58Cys; replaces arginine 58 with cysteine.
Molecular consequence: missense variant.
Genome position (GRCh38, 1-based): chr11:794,488, G>A on the plus strand (C>T on the coding strand, the complement: SLC25A22 is on the minus strand). VCF-style: chr11-794488-G-A. GRCh37 (hg19) VCF-style: chr11-794488-G-A.
Other names: c.172C>T, p.Arg58Cys (NM_001191060.2, NM_024698.6); short protein forms R58C.
Identifiers: ClinVar variation 954554 (VCV000954554.9), dbSNP rs202242484, ClinGen allele CA5789340.